The following is an entry in ClinVar:

NM_004525.3(LRP2):c.8785A>G (p.Asn2929Asp)

Gene: LRP2 (LDL receptor related protein 2; minus strand). Cytogenetic location: 2q31.1.
Variant type: single nucleotide variant.
Coding change: c.8785A>G on transcript NM_004525.3 (MANE Select); coding-DNA position 8785, A replaced by G.
Protein change: p.Asn2929Asp; replaces asparagine 2929 with aspartic acid.
Molecular consequence: missense variant.
Genome position (GRCh38, 1-based): chr2:169,193,806, T>C on the plus strand (A>G on the coding strand, the complement: LRP2 is on the minus strand). VCF-style: chr2-169193806-T-C. GRCh37 (hg19) VCF-style: chr2-170050316-T-C.
Other names: c.8785A>G (NM_004525.2); short protein forms N2929D.
Identifiers: ClinVar variation 1937770 (VCV001937770.3), dbSNP rs761659109, ClinGen allele CA1953759.
Genomic context (GRCh38, chr2:169,193,806, plus strand): 5'-ATTGGCTTCACTTACGACACTGGTGCCTTTTATCCTCGTCACTCATATCCCCACAGTCAT[T>C]ATCACCGTCACAGATCCATTCGCTTGGGATGCACCTCCCACCATCACACTTGAACTCATC-3'
Protein context (NP_004516.2, residues 2919-2939): IPSEWICDGD[Asn2929Asp]DCGDMSDEDK

ClinVar aggregate classification (germline): Uncertain significance. Review status: criteria provided, multiple submitters, no conflicts (2 of 4 stars). 2 submissions from 2 submitters: Uncertain significance (2). Last evaluated 2024-04-08.

Conditions:
Inborn genetic diseases. Identifiers: MedGen C0950123, MeSH D030342.

Allele frequency attached by ClinVar (database versions not stated): gnomAD exomes below 0.00001; ExAC 0.00002.
gnomAD v4.1: 1 of 1,614,156 alleles (0.000062%); highest among the groups gnomAD compares: East Asian, 0.0022%; no homozygotes.

Submissions (2):

Ambry Genetics
Classification: Uncertain significance for Inborn genetic diseases. Last evaluated: 2024-04-08. Review status: criteria provided, single submitter. Criteria: Ambry Variant Classification Scheme 2023. Collection method: clinical testing. Allele origin: germline.

Labcorp Genetics (formerly Invitae), Labcorp
Classification: Uncertain significance. Last evaluated: 2021-11-27. Review status: criteria provided, single submitter. Criteria: Invitae Variant Classification Sherloc (09022015). Collection method: clinical testing. Allele origin: germline.
Comment: This sequence change replaces asparagine, which is neutral and polar, with aspartic acid, which is acidic and polar, at codon 2929 of the LRP2 protein (p.Asn2929Asp). This variant is present in population databases (rs761659109, gnomAD 0.01%). This variant has not been reported in the literature in individuals affected with LRP2-related conditions. Advanced modeling of protein sequence and biophysical properties (such as structural, functional, and spatial information, amino acid conservation, physicochemical variation, residue mobility, and thermodynamic stability) performed at Invitae indicates that this missense variant is not expected to disrupt LRP2 protein function. In summary, the available evidence is currently insufficient to determine the role of this variant in disease. Therefore, it has been classified as a Variant of Uncertain Significance.